The following is an entry in ClinVar:

ClinVar aggregate classification (germline): Uncertain significance (1 of 4 stars; one submission).

Conditions:
Progressive sclerosing poliodystrophy (MTDPS4A). Also called: NEURONAL DEGENERATION OF CHILDHOOD WITH LIVER DISEASE, PROGRESSIVE; Alpers Syndrome; ALPERS DIFFUSE DEGENERATION OF CEREBRAL GRAY MATTER WITH HEPATIC CIRRHOSIS; Alpers-Huttenlocher Syndrome; Mitochondrial DNA depletion syndrome 4A (Alpers type); Mitochondrial DNA Depletion Syndrome 4A. Identifiers: Orphanet 726, MedGen C0205710, MONDO:0008758, OMIM 203700.

gnomAD v4.1: 2 of 1,614,046 alleles (0.00012%); highest among the groups gnomAD compares: Non-Finnish European, 0.00017%; no homozygotes.

Submission:

Labcorp Genetics (formerly Invitae), Labcorp
Classification: Uncertain significance for Progressive sclerosing poliodystrophy. Last evaluated: 2021-10-05. Review status: criteria provided, single submitter. Criteria: Invitae Variant Classification Sherloc (09022015). Collection method: clinical testing. Allele origin: germline.
Comment: This sequence change replaces leucine with proline at codon 921 of the POLG protein (p.Leu921Pro). The leucine residue is highly conserved and there is a moderate physicochemical difference between leucine and proline. This variant is not present in population databases (ExAC no frequency). This variant has not been reported in the literature in individuals affected with POLG-related conditions. Algorithms developed to predict the effect of missense changes on protein structure and function (SIFT, PolyPhen-2, Align-GVGD) all suggest that this variant is likely to be disruptive. In summary, the available evidence is currently insufficient to determine the role of this variant in disease. Therefore, it has been classified as a Variant of Uncertain Significance.

NM_002693.3(POLG):c.2762T>C (p.Leu921Pro)

Gene: POLG (DNA polymerase gamma, catalytic subunit; minus strand). Cytogenetic location: 15q26.1.
Variant type: single nucleotide variant.
Coding change: c.2762T>C on transcript NM_002693.3 (MANE Select); coding-DNA position 2762, T replaced by C.
Protein change: p.Leu921Pro; replaces leucine 921 with proline.
Molecular consequence: missense variant.
Genome position (GRCh38, 1-based): chr15:89,320,985, A>G on the plus strand (T>C on the coding strand, the complement: POLG is on the minus strand). VCF-style: chr15-89320985-A-G. GRCh37 (hg19) VCF-style: chr15-89864216-A-G.
Other names: c.2762T>C, p.Leu921Pro (NM_001126131.2); short protein forms L921P.
Identifiers: ClinVar variation 1358555 (VCV001358555.6), dbSNP rs2152061053, ClinGen allele CA393753237.